The following is an entry in ClinVar:

NM_000400.4(ERCC2):c.2137G>A (p.Gly713Ser)

Gene: ERCC2 (ERCC excision repair 2, TFIIH core complex helicase subunit; minus strand). Cytogenetic location: 19q13.32.
Variant type: single nucleotide variant.
Coding change: c.2137G>A on transcript NM_000400.4 (MANE Select); coding-DNA position 2137, G replaced by A.
Protein change: p.Gly713Ser; replaces glycine 713 with serine.
Molecular consequence: missense variant.
Genome position (GRCh38, 1-based): chr19:45,352,262, C>T on the plus strand (G>A on the coding strand, the complement: ERCC2 is on the minus strand). VCF-style: chr19-45352262-C-T. GRCh37 (hg19) VCF-style: chr19-45855520-C-T.
Other names: short protein forms G713S.
Identifiers: ClinVar variation 3231676 (VCV003231676.1), dbSNP rs121913022, ClinGen allele CA406362096.

ClinVar aggregate classification (germline): Uncertain significance (1 of 4 stars; one submission).

Conditions:
Inborn genetic diseases. Identifiers: MedGen C0950123, MeSH D030342.

Submission:

Ambry Genetics
Classification: Uncertain significance for Inborn genetic diseases. Last evaluated: 2024-02-26. Review status: criteria provided, single submitter. Criteria: Ambry Variant Classification Scheme 2023. Collection method: clinical testing. Allele origin: germline.
Comment: The p.G713S variant (also known as c.2137G>A), located in coding exon 22 of the ERCC2 gene, results from a G to A substitution at nucleotide position 2137. The glycine at codon 713 is replaced by serine, an amino acid with similar properties. This amino acid position is conserved. In addition, this alteration is predicted to be tolerated by in silico analysis. Based on the available evidence, the clinical significance of this alteration remains unclear.